The following is an entry in ClinVar:

NM_001378454.1(ALMS1):c.764+18C>T

Gene: ALMS1 (ALMS1 centrosome and basal body associated protein; plus strand). Cytogenetic location: 2p13.1.
Variant type: single nucleotide variant.
Coding change: c.764+18C>T on transcript NM_001378454.1 (MANE Select); 18 bases into the intron after coding-DNA position 764, C replaced by T.
Molecular consequence: intron variant.
Genome position (GRCh38, 1-based): chr2:73,422,992, C>T. VCF-style: chr2-73422992-C-T. GRCh37 (hg19) VCF-style: chr2-73650120-C-T.
Other names: c.764+18C>T (NM_015120.4); c.767+18C>T (NM_015120.4).
Identifiers: ClinVar variation 507766 (VCV000507766.1), dbSNP rs1553400459, ClinGen allele CA658795819.

ClinVar aggregate classification (germline): Likely benign (1 of 4 stars; one submission).

Allele frequency attached by ClinVar (database versions not stated): gnomAD exomes below 0.00001; TOPMed below 0.00001.
gnomAD v4.1: 1 of 1,572,374 alleles (0.000064%); highest among the groups gnomAD compares: African/African-American, 0.0014%; no homozygotes.

Submission:

GeneDx
Classification: Likely benign. Last evaluated: 2017-03-02. Review status: criteria provided, single submitter. Criteria: GeneDx Variant Classification (06012015). Collection method: clinical testing. Allele origin: germline. Affected: yes.
Comment: This variant is considered likely benign or benign based on one or more of the following criteria: it is a conservative change, it occurs at a poorly conserved position in the protein, it is predicted to be benign by multiple in silico algorithms, and/or has population frequency not consistent with disease.